The following is an entry in ClinVar:

NM_000059.4(BRCA2):c.149_156del (p.Glu49_Ser50insTer)

Gene: BRCA2 (BRCA2 DNA repair associated; plus strand). Cytogenetic location: 13q13.1.
Variant type: Deletion.
Coding change: c.149_156del on transcript NM_000059.4 (MANE Select); coding-DNA positions 149 to 156, 8 bases deleted (CTGAACAT; older notation c.149_156delCTGAACAT).
Protein change: p.Glu49_Ser50insTer.
Molecular consequence: nonsense. On other transcripts: 5 prime UTR variant (1), non-coding transcript variant (1).
Genome position (GRCh38, 1-based): chr13:32,319,158-32,319,165, CTGAACAT deleted; deleting any 8 consecutive bases within chr13:32,319,156-32,319,165 gives the same sequence; the c. name uses the placement nearest the transcript's 3' end. VCF-style (leftmost placement, unchanged base first): chr13-32319155-AATCTGAAC-A. GRCh37 (hg19) VCF-style: chr13-32893292-AATCTGAAC-A.
Other names: c.149_156del, p.Glu49_Ser50insTer (NM_001406719.1, NM_001406720.1, NM_001406721.1); c.-221_-214del (NM_001406722.1).
Identifiers: ClinVar variation 2774870 (VCV002774870.2), dbSNP rs2548511233, ClinGen allele CA2697551715.

ClinVar aggregate classification (germline): Pathogenic (1 of 4 stars; one submission).

Conditions:
Hereditary cancer-predisposing syndrome. Also called: Neoplastic Syndromes, Hereditary; Tumor predisposition; Hereditary Cancer Syndrome; Hereditary neoplastic syndrome. Identifiers: Orphanet 140162, MedGen C0027672, MeSH D009386, MONDO:0015356.

Submission:

Color Diagnostics, LLC DBA Color Health
Classification: Pathogenic for Hereditary cancer-predisposing syndrome. Last evaluated: 2021-11-22. Review status: criteria provided, single submitter. Criteria: ACMG Guidelines, 2015. Collection method: clinical testing. Allele origin: germline.
Comment: This variant deletes 8 nucleotides in exon 3 of the BRCA2 gene, creating a frameshift and premature translation stop signal. This variant is expected to result in an absent or non-functional protein product. To our knowledge, this variant has not been reported in individuals affected with hereditary cancer in the literature. This variant has not been identified in the general population by the Genome Aggregation Database (gnomAD). Loss of BRCA2 function is a known mechanism of disease. Based on the available evidence, this variant is classified as Pathogenic.